The following is an entry in ClinVar:

ClinVar aggregate classification (germline): Uncertain significance (1 of 4 stars; one submission).

Conditions:
Cardiovascular phenotype. Identifiers: MedGen CN230736.

Submission:

Ambry Genetics
Classification: Uncertain significance for Cardiovascular phenotype. Last evaluated: 2023-06-01. Review status: criteria provided, single submitter. Criteria: Ambry Variant Classification Scheme 2023. Collection method: clinical testing. Allele origin: germline.
Comment: The p.V32D variant (also known as c.95T>A), located in coding exon 1 of the ALPK3 gene, results from a T to A substitution at nucleotide position 95. The valine at codon 32 is replaced by aspartic acid, an amino acid with highly dissimilar properties. This amino acid position is conserved. In addition, this alteration is predicted to be tolerated by in silico analysis. Since supporting evidence is limited at this time, the clinical significance of this alteration remains unclear.

NM_020778.4(ALPK3):c.95T>A (p.Val32Asp)

Gene: ALPK3 (alpha kinase 3; plus strand). Cytogenetic location: 15q25.3.
Variant type: single nucleotide variant.
Coding change: c.95T>A on transcript NM_020778.4; coding-DNA position 95, T replaced by A.
Protein change: p.Val32Asp; replaces valine 32 with aspartic acid.
Genome position (GRCh38, 1-based): chr15:84,816,941, T>A. VCF-style: chr15-84816941-T-A. GRCh37 (hg19) VCF-style: chr15-85360172-T-A.
Other names: short protein forms V32D.
Identifiers: ClinVar variation 2563961 (VCV002563961.2), dbSNP rs2505687976, ClinGen allele CA393368095.
Genomic context (GRCh38, chr15:84,816,941, plus strand): 5'-AACAGCCACTGGCGAGGCAAGGCGAGGGTCAGTCACGGCTGGTGCCAGGAAGAGGGCTGG[T>A]TCTTTGGCTCCCTGGTCTCCCGCGGTCTAGCCCAAGCTGGCCAGCGGTTGACCTGGCTCC-3'